The following is an entry in ClinVar:

NM_003737.4(DCHS1):c.7235C>T (p.Ser2412Phe)

Gene: DCHS1 (dachsous cadherin-related 1; minus strand). Cytogenetic location: 11p15.4.
Variant type: single nucleotide variant.
Coding change: c.7235C>T on transcript NM_003737.4 (MANE Select); coding-DNA position 7235, C replaced by T.
Protein change: p.Ser2412Phe; replaces serine 2412 with phenylalanine.
Molecular consequence: missense variant.
Genome position (GRCh38, 1-based): chr11:6,624,780, G>A on the plus strand (C>T on the coding strand, the complement: DCHS1 is on the minus strand). VCF-style: chr11-6624780-G-A. GRCh37 (hg19) VCF-style: chr11-6646011-G-A.
Other names: short protein forms S2412F.
Identifiers: ClinVar variation 3688865 (VCV003688865.2).

ClinVar aggregate classification (germline): Uncertain significance (1 of 4 stars; one submission).

Submission:

Labcorp Genetics (formerly Invitae), Labcorp
Classification: Uncertain significance. Last evaluated: 2024-11-21. Review status: criteria provided, single submitter. Criteria: Invitae Variant Classification Sherloc (09022015). Collection method: clinical testing. Allele origin: germline.
Comment: This sequence change replaces serine, which is neutral and polar, with phenylalanine, which is neutral and non-polar, at codon 2412 of the DCHS1 protein (p.Ser2412Phe). This variant is not present in population databases (gnomAD no frequency). This variant has not been reported in the literature in individuals affected with DCHS1-related conditions. Invitae Evidence Modeling of protein sequence and biophysical properties (such as structural, functional, and spatial information, amino acid conservation, physicochemical variation, residue mobility, and thermodynamic stability) indicates that this missense variant is not expected to disrupt DCHS1 protein function with a negative predictive value of 80%. In summary, the available evidence is currently insufficient to determine the role of this variant in disease. Therefore, it has been classified as a Variant of Uncertain Significance.